The following is an entry in ClinVar:

ClinVar aggregate classification (germline): Benign (1 of 4 stars; one submission).

Allele frequency attached by ClinVar (database versions not stated): 1000 Genomes Project 30x 0.00062; 1000 Genomes Project 0.00100; TOPMed 0.00134; gnomAD 0.00142.

Submission:

CeGaT Center for Human Genetics Tuebingen
Classification: Benign. Last evaluated: 2026-06-01. Review status: criteria provided, single submitter. Criteria: CeGaT Center For Human Genetics Tuebingen Variant Classification Criteria Version 2. Collection method: clinical testing. Allele origin: germline. Affected: yes. Observed: 5 variant alleles.
Comment: BRD4: BS1, BS2

NM_001379291.1(BRD4):c.2158+2269G>A

Gene: BRD4 (bromodomain containing 4; minus strand). Cytogenetic location: 19p13.12.
Variant type: single nucleotide variant.
Coding change: c.2158+2269G>A on transcript NM_001379291.1 (MANE Select); 2269 bases into the intron after coding-DNA position 2158, G replaced by A.
Molecular consequence: intron variant.
Genome position (GRCh38, 1-based): chr19:15,251,883, C>T on the plus strand (G>A on the coding strand, the complement: BRD4 is on the minus strand). VCF-style: chr19-15251883-C-T. GRCh37 (hg19) VCF-style: chr19-15362694-C-T.
Other names: c.2158+2269G>A (NM_058243.3, NM_001379292.1, NM_014299.3).
Identifiers: ClinVar variation 2649479 (VCV002649479.24), dbSNP rs34698805, ClinGen allele CA305797803.